The following is an entry in ClinVar:

NM_001347721.2(DYRK1A):c.868A>G (p.Lys290Glu)

Gene: DYRK1A (dual specificity tyrosine phosphorylation regulated kinase 1A; plus strand). Cytogenetic location: 21q22.13.
Variant type: single nucleotide variant.
Coding change: c.868A>G on transcript NM_001347721.2 (MANE Select); coding-DNA position 868, A replaced by G.
Protein change: p.Lys290Glu; replaces lysine 290 with glutamic acid.
Molecular consequence: missense variant.
Genome position (GRCh38, 1-based): chr21:37,490,405, A>G. VCF-style: chr21-37490405-A-G. GRCh37 (hg19) VCF-style: chr21-38862707-A-G.
Other names: c.868A>G, p.Lys290Glu (NM_001347722.2, NM_130436.2); c.781A>G, p.Lys261Glu (NM_001347723.2); c.895A>G, p.Lys299Glu (NM_001396.5, NM_101395.2, NM_130438.2); short protein forms K261E, K290E, K299E.
Identifiers: ClinVar variation 3254763 (VCV003254763.1), dbSNP rs2518028565.

ClinVar aggregate classification (germline): Likely pathogenic (1 of 4 stars; one submission).

Conditions:
DYRK1A-related intellectual disability syndrome (MRD7). Also called: DYRK1A Syndrome; Intellectual developmental disorder, autosomal dominant 7. Identifiers: Orphanet 464306, MedGen C5568143, MONDO:0013578, OMIM 614104.

Submission:

Victorian Clinical Genetics Services, Murdoch Childrens Research Institute
Classification: Likely pathogenic for DYRK1A-related intellectual disability syndrome. Last evaluated: 2023-07-17. Review status: criteria provided, single submitter. Criteria: ACMG Guidelines, 2015. Collection method: clinical testing. Allele origin: germline. Inheritance: Autosomal dominant inheritance. Affected: yes.
Comment: Based on the classification scheme VCGS_Germline_v1.3.4, this variant is classified as Likely pathogenic. Following criteria are met: 0102 - Loss of function is a known mechanism of disease in this gene and is associated with intellectual developmental disorder, autosomal dominant 7 (MIM#614104). (I) 0107 - This gene is associated with autosomal dominant disease. (I) 0200 - Variant is predicted to result in a missense amino acid change from lysine to glutamic acid. (I) 0251 - This variant is heterozygous. (I) 0301 - Variant is absent from gnomAD (both v2 and v3). (SP) 0502 - Missense variant with conflicting in silico predictions and high conservation. (I) 0603 - Missense variant in a region that is highly intolerant to missense variation (high constraint region in DECIPHER). (SP) 0705 - No comparable missense variants have previous evidence for pathogenicity. (I) 0807 - This variant has no previous evidence of pathogenicity. (I) 0905 - No published segregation evidence has been identified for this variant. (I) 1007 - No published functional evidence has been identified for this variant. (SP) Legend: (SP) - Supporting pathogenic, (I) - Information, (SB) - Supporting benign